The following is an entry in ClinVar:

NM_001916.5(CYC1):c.326+7_326+10del

Gene: CYC1 (cytochrome c1; plus strand). Cytogenetic location: 8q24.3.
Variant type: Deletion.
Coding change: c.326+7_326+10del on transcript NM_001916.5 (MANE Select); bases 7 to 10 of the intron after coding-DNA position 326, 4 bases deleted (AGCT; older notation c.326+7_326+10delAGCT).
Molecular consequence: intron variant.
Genome position (GRCh38, 1-based): chr8:144,096,036-144,096,039, AGCT deleted. VCF-style (leftmost placement, unchanged base first): chr8-144096035-CAGCT-C. GRCh37 (hg19) VCF-style: chr8-145150938-CAGCT-C.
Identifiers: ClinVar variation 421227 (VCV000421227.7), dbSNP rs560816891, ClinGen allele CA4933337.

ClinVar aggregate classification (germline): Benign/Likely benign. Review status: criteria provided, multiple submitters, no conflicts (2 of 4 stars). 3 submissions from 3 submitters: Benign (1); Likely benign (2). Last evaluated 2026-01-13.

Allele frequency attached by ClinVar (database versions not stated): gnomAD exomes 0.00025 and 0.00061; ExAC 0.00083; gnomAD 0.00235 and 0.00252; 1000 Genomes Project 0.00260; TOPMed 0.00264; 1000 Genomes Project 30x 0.00265; ESP Exome Variant Server 0.00296.

Submissions (3):

Labcorp Genetics (formerly Invitae), Labcorp
Classification: Benign. Last evaluated: 2026-01-13. Review status: criteria provided, single submitter. Criteria: Invitae Variant Classification Sherloc (09022015). Collection method: clinical testing. Allele origin: germline.

Blueprint Genetics
Classification: Likely benign. Last evaluated: 2024-03-13. Review status: criteria provided, single submitter. Criteria: ACMG Guidelines, 2015. Collection method: clinical testing. Allele origin: germline.

GeneDx
Classification: Likely benign. Last evaluated: 2017-05-01. Review status: criteria provided, single submitter. Criteria: GeneDx Variant Classification (06012015). Collection method: clinical testing. Allele origin: germline. Affected: yes.
Comment: This variant is considered likely benign or benign based on one or more of the following criteria: it is a conservative change, it occurs at a poorly conserved position in the protein, it is predicted to be benign by multiple in silico algorithms, and/or has population frequency not consistent with disease.